The following is an entry in ClinVar:

ClinVar aggregate classification (germline): Conflicting classifications of pathogenicity. Review status: criteria provided, conflicting classifications (1 of 4 stars). 3 submissions from 3 submitters: Uncertain significance (1); Likely benign (2). Last evaluated 2022-08-24.

Allele frequency attached by ClinVar (database versions not stated): TOPMed 0.00004; ExAC 0.00006; gnomAD exomes 0.00007 and 0.00002; gnomAD 0.00001 and 0.00003; ESP Exome Variant Server 0.00008; 1000 Genomes Project 30x 0.00078; 1000 Genomes Project 0.00080.
gnomAD v4.1: 31 of 1,614,002 alleles (0.0019%); highest among the groups gnomAD compares: East Asian, 0.036%; no homozygotes.

Submissions (3):

Labcorp Genetics (formerly Invitae), Labcorp
Classification: Uncertain significance. Last evaluated: 2022-08-24. Review status: criteria provided, single submitter. Criteria: Invitae Variant Classification Sherloc (09022015). Collection method: clinical testing. Allele origin: germline.
Comment: This sequence change falls in intron 6 of the KARS gene. It does not directly change the encoded amino acid sequence of the KARS protein. It affects a nucleotide within the consensus splice site. This variant is present in population databases (rs72789443, gnomAD 0.07%). This variant has not been reported in the literature in individuals affected with KARS-related conditions. ClinVar contains an entry for this variant (Variation ID: 320636). Variants that disrupt the consensus splice site are a relatively common cause of aberrant splicing (PMID: 17576681, 9536098). Algorithms developed to predict the effect of sequence changes on RNA splicing suggest that this variant is not likely to affect RNA splicing. In summary, the available evidence is currently insufficient to determine the role of this variant in disease. Therefore, it has been classified as a Variant of Uncertain Significance.

GeneDx
Classification: Likely benign. Last evaluated: 2020-11-09. Review status: criteria provided, single submitter. Criteria: GeneDx Variant Classification Process June 2021. Collection method: clinical testing. Allele origin: germline. Affected: yes.

Breakthrough Genomics
Classification: Likely benign. Review status: criteria provided, single submitter. Criteria: ACMG Guidelines, 2015. Collection method: not provided. Allele origin: germline. Inheritance: Autosomal recessive inheritance. Affected: yes.

Literature cited by the submitters: PubMed 17576681 (cited by Labcorp Genetics (formerly Invitae), Labcorp); PubMed 9536098 (cited by Labcorp Genetics (formerly Invitae), Labcorp).

NM_005548.3(KARS1):c.669+6C>T

Gene: KARS1 (lysyl-tRNA synthetase 1; minus strand). Cytogenetic location: 16q23.1.
Variant type: single nucleotide variant.
Coding change: c.669+6C>T on transcript NM_005548.3 (MANE Select); 6 bases into the intron after coding-DNA position 669, C replaced by T.
Molecular consequence: intron variant.
Genome position (GRCh38, 1-based): chr16:75,635,906, G>A on the plus strand (C>T on the coding strand, the complement: KARS1 is on the minus strand). VCF-style: chr16-75635906-G-A. GRCh37 (hg19) VCF-style: chr16-75669804-G-A.
Other names: c.753+6C>T (NM_001130089.2); c.201+6C>T (NM_001378148.1).
Identifiers: ClinVar variation 320636 (VCV000320636.6), dbSNP rs72789443, ClinGen allele CA8177556.